The following is an entry in ClinVar:

ClinVar aggregate classification (germline): Pathogenic (1 of 4 stars; one submission).

Conditions:
Finnish congenital nephrotic syndrome (NPHS1). Also called: NEPHROTIC SYNDROME, TYPE 1. Identifiers: Orphanet 839, MedGen C0403399, MONDO:0009732, OMIM 256300.

Submission:

Myriad Genetics, Inc.
Classification: Pathogenic for Finnish congenital nephrotic syndrome. Last evaluated: 2025-11-19. Review status: criteria provided, single submitter. Criteria: Myriad Autosomal Dominant, Autosomal Recessive and X-Linked Classification Criteria (2023). Collection method: clinical testing. Allele origin: unknown.
Comment: NM_004646.3(NPHS1):c.773delG(G258Dfs*16) is expected to be pathogenic in the context of nephrotic syndrome, NPHS1-related. This variant is predicted to lead to an abnormal or absent protein product due to the creation of a premature termination codon in NPHS1, a gene where loss-of-function variants are known to be pathogenic. Please note: this variant was assessed in the context of healthy population screening.

NM_004646.4(NPHS1):c.773del (p.Gly258fs)

Gene: NPHS1 (NPHS1 adhesion molecule, nephrin; minus strand). Cytogenetic location: 19q13.12.
Variant type: Deletion.
Coding change: c.773del on transcript NM_004646.4 (MANE Select); coding-DNA position 773, one base deleted (G; older notation c.773delG).
Protein change: p.Gly258fs; shifts the reading frame from glycine 258.
Molecular consequence: frameshift variant.
Genome position (GRCh38, 1-based): chr19:35,849,303, C deleted on the plus strand (G on the coding strand, the reverse complement: NPHS1 is on the minus strand); the first of 2 consecutive C bases (chr19:35,849,303-35,849,304); deleting either gives the same sequence. VCF-style (leftmost placement, unchanged base first): chr19-35849302-TC-T. GRCh37 (hg19) VCF-style: chr19-36340204-TC-T.
Other names: short protein forms G258fs.
Identifiers: ClinVar variation 5015244 (VCV005015244.1).
Genomic context (GRCh38, chr19:35,849,302, plus strand): 5'-CCACTGCAGTGTGGCTAAGGGATTACCCCCTCGGGCCACGCACGGCAGCTCCAAGCTCTG[TC>T]CTGCCCGCACGTGCCCCTCATCCAGGCCTGGCCACTCGATGACAGGGGGTCCTGGAGGGA-3'